The following is an entry in ClinVar:

NM_001377540.1(SLMAP):c.2188A>G (p.Met730Val)

Gene: SLMAP (sarcolemma associated protein; plus strand). Cytogenetic location: 3p14.3.
Variant type: single nucleotide variant.
Coding change: c.2188A>G on transcript NM_001377540.1 (MANE Select); coding-DNA position 2188, A replaced by G.
Protein change: p.Met730Val; replaces methionine 730 with valine.
Molecular consequence: missense variant. On other transcripts: non-coding transcript variant (1).
Genome position (GRCh38, 1-based): chr3:57,916,955, A>G. VCF-style: chr3-57916955-A-G. GRCh37 (hg19) VCF-style: chr3-57902682-A-G.
Other names: c.1963A>G, p.Met655Val (NM_001377923.1); c.1951A>G, p.Met651Val (NM_001377924.1); c.1900A>G, p.Met634Val (NM_001377925.1); c.616A>G, p.Met206Val (NM_001377926.1, NM_001377927.1, NM_001311179.2); c.2086A>G, p.Met696Val (NM_007159.5, NM_001377549.1); c.2137A>G, p.Met713Val (NM_001304420.3, NM_001377541.1, NM_001377542.1); c.2023A>G, p.Met675Val (NM_001304421.2, NM_001377557.1, NM_001377559.1); c.739A>G, p.Met247Val (NM_001304422.3, NM_001311178.2); and 8 more; short protein forms M181V, M668V, M675V, M709V, M713V, M730V, M634V, M655V.
Identifiers: ClinVar variation 3445724 (VCV003445724.1).
Genomic context (GRCh38, chr3:57,916,955, plus strand): 5'-TTATATTGCAGTTCTCAGAAGCAGAGTTTAGAGCTTACCAGTGATCTCAGCATCCTTCAA[A>G]TGTCTAGGAAAGAACTTGAGAATCAAGTGGGATCCTTGAAAGAACAGCATCTTCGGGATT-3'
Protein context (NP_001364469.1, residues 720-740): ELTSDLSILQ[Met730Val]SRKELENQVG

ClinVar aggregate classification (germline): Uncertain significance (1 of 4 stars; one submission).

gnomAD v4.1: 2 of 1,613,894 alleles (0.00012%); highest among the groups gnomAD compares: African/African-American, 0.0013%; no homozygotes.

Submission:

Ambry Genetics
Classification: Uncertain significance. Last evaluated: 2024-10-24. Review status: criteria provided, single submitter. Criteria: Ambry Variant Classification Scheme 2023. Collection method: clinical testing. Allele origin: germline.
Comment: The p.M696V variant (also known as c.2086A>G), located in coding exon 19 of the SLMAP gene, results from an A to G substitution at nucleotide position 2086. The methionine at codon 696 is replaced by valine, an amino acid with highly similar properties. This amino acid position is conserved. In addition, this alteration is predicted to be tolerated by in silico analysis. Based on the available evidence, the clinical significance of this variant remains unclear.